The following is an entry in ClinVar:

ClinVar aggregate classification (germline): Uncertain significance. Review status: criteria provided, multiple submitters, no conflicts (2 of 4 stars). 2 submissions from 2 submitters: Uncertain significance (2). Last evaluated 2021-09-02.

Conditions:
Epileptic encephalopathy. Identifiers: MedGen C0543888, HP:0200134.

Allele frequency attached by ClinVar (database versions not stated): gnomAD exomes 0.00002 and 0.00003; gnomAD 0.00003 and 0.00004; TOPMed 0.00007.
gnomAD v4.1: 41 of 1,609,484 alleles (0.0025%); highest among the groups gnomAD compares: South Asian, 0.014%; no homozygotes.

Submissions (2):

Labcorp Genetics (formerly Invitae), Labcorp
Classification: Uncertain significance for Epileptic encephalopathy. Last evaluated: 2021-09-02. Review status: criteria provided, single submitter. Criteria: Invitae Variant Classification Sherloc (09022015). Collection method: clinical testing. Allele origin: germline.
Comment: This sequence change replaces arginine with tryptophan at codon 2781 of the RYR3 protein (p.Arg2781Trp). The arginine residue is highly conserved and there is a moderate physicochemical difference between arginine and tryptophan. This variant is not present in population databases (ExAC no frequency). This variant has not been reported in the literature in individuals affected with RYR3-related conditions. Algorithms developed to predict the effect of missense changes on protein structure and function are either unavailable or do not agree on the potential impact of this missense change (SIFT: "Deleterious"; PolyPhen-2: "Probably Damaging"; Align-GVGD: "Class C0"). In summary, the available evidence is currently insufficient to determine the role of this variant in disease. Therefore, it has been classified as a Variant of Uncertain Significance.

Blueprint Genetics
Classification: Uncertain significance. Last evaluated: 2019-04-26. Review status: criteria provided, single submitter. Criteria: ACMG Guidelines, 2015. Collection method: clinical testing. Allele origin: germline.

NM_001036.6(RYR3):c.8341C>T (p.Arg2781Trp)

Gene: RYR3 (ryanodine receptor 3; plus strand). Cytogenetic location: 15q14.
Variant type: single nucleotide variant.
Coding change: c.8341C>T on transcript NM_001036.6 (MANE Select); coding-DNA position 8341, C replaced by T.
Protein change: p.Arg2781Trp; replaces arginine 2781 with tryptophan.
Molecular consequence: missense variant.
Genome position (GRCh38, 1-based): chr15:33,750,228, C>T. VCF-style: chr15-33750228-C-T. GRCh37 (hg19) VCF-style: chr15-34042429-C-T.
Other names: c.8341C>T, p.Arg2781Trp (NM_001243996.4); short protein forms R2781W.
Identifiers: ClinVar variation 1055994 (VCV001055994.7), dbSNP rs772102927, ClinGen allele CA268564957.